The following is an entry in ClinVar:

ClinVar aggregate classification (germline): Uncertain significance. Review status: criteria provided, multiple submitters, no conflicts (2 of 4 stars). 2 submissions from 2 submitters: Uncertain significance (2). Last evaluated 2024-07-25.

Conditions:
Microcephaly, normal intelligence and immunodeficiency (NBS). Also called: BERLIN BREAKAGE SYNDROME; Immunodeficiency, microcephaly with normal intelligence; SEEMANOVA SYNDROME II; Ataxia telangiectasia variant V1; Nijmegen breakage syndrome; IMMUNODEFICIENCY, MICROCEPHALY, AND CHROMOSOMAL INSTABILITY. Identifiers: Orphanet 647, MedGen C0398791, MONDO:0009623, OMIM 251260.
Hereditary cancer-predisposing syndrome. Also called: Neoplastic Syndromes, Hereditary; Hereditary neoplastic syndrome; Hereditary Cancer Syndrome; Tumor predisposition. Identifiers: Orphanet 140162, MedGen C0027672, MeSH D009386, MONDO:0015356.

Submissions (2):

Ambry Genetics
Classification: Uncertain significance for Hereditary cancer-predisposing syndrome. Last evaluated: 2024-07-25. Review status: criteria provided, single submitter. Criteria: Ambry Variant Classification Scheme 2023. Collection method: clinical testing. Allele origin: germline.
Comment: The p.M595I variant (also known as c.1785G>A), located in coding exon 11 of the NBN gene, results from a G to A substitution at nucleotide position 1785. The methionine at codon 595 is replaced by isoleucine, an amino acid with highly similar properties. This amino acid position is conserved. In addition, this alteration is predicted to be tolerated by in silico analysis. Based on the available evidence, the clinical significance of this variant remains unclear.

Labcorp Genetics (formerly Invitae), Labcorp
Classification: Uncertain significance for Microcephaly, normal intelligence and immunodeficiency. Last evaluated: 2022-05-13. Review status: criteria provided, single submitter. Criteria: Invitae Variant Classification Sherloc (09022015). Collection method: clinical testing. Allele origin: germline.
Comment: This variant is not present in population databases (gnomAD no frequency). In summary, the available evidence is currently insufficient to determine the role of this variant in disease. Therefore, it has been classified as a Variant of Uncertain Significance. Algorithms developed to predict the effect of missense changes on protein structure and function (SIFT, PolyPhen-2, Align-GVGD) all suggest that this variant is likely to be tolerated. ClinVar contains an entry for this variant (Variation ID: 658597). This variant has not been reported in the literature in individuals affected with NBN-related conditions. This sequence change replaces methionine, which is neutral and non-polar, with isoleucine, which is neutral and non-polar, at codon 595 of the NBN protein (p.Met595Ile).

NM_002485.5(NBN):c.1785G>A (p.Met595Ile)

Gene: NBN (nibrin; minus strand). Cytogenetic location: 8q21.3.
Variant type: single nucleotide variant.
Coding change: c.1785G>A on transcript NM_002485.5 (MANE Select); coding-DNA position 1785, G replaced by A.
Protein change: p.Met595Ile; replaces methionine 595 with isoleucine.
Molecular consequence: missense variant.
Genome position (GRCh38, 1-based): chr8:89,953,304, C>T on the plus strand (G>A on the coding strand, the complement: NBN is on the minus strand). VCF-style: chr8-89953304-C-T. GRCh37 (hg19) VCF-style: chr8-90965532-C-T.
Other names: c.1539G>A, p.Met513Ile (NM_001024688.3); short protein forms M513I, M595I.
Identifiers: ClinVar variation 658597 (VCV000658597.9), dbSNP rs1586052885, ClinGen allele CA371655096.